The following is an entry in ClinVar:

NM_004064.5(CDKN1B):c.230A>G (p.Gln77Arg)

Gene: CDKN1B (cyclin dependent kinase inhibitor 1B; plus strand). Cytogenetic location: 12p13.1.
Variant type: single nucleotide variant.
Coding change: c.230A>G on transcript NM_004064.5 (MANE Select); coding-DNA position 230, A replaced by G.
Protein change: p.Gln77Arg; replaces glutamine 77 with arginine.
Molecular consequence: missense variant.
Genome position (GRCh38, 1-based): chr12:12,718,069, A>G. VCF-style: chr12-12718069-A-G. GRCh37 (hg19) VCF-style: chr12-12871003-A-G.
Other names: c.230A>G (NM_004064.3); short protein forms Q77R.
Identifiers: ClinVar variation 857788 (VCV000857788.10), dbSNP rs764436301, ClinGen allele CA6457419.

ClinVar aggregate classification (germline): Conflicting classifications of pathogenicity. Review status: criteria provided, conflicting classifications (1 of 4 stars). 2 submissions from 2 submitters: Uncertain significance (1); Likely benign (1). Last evaluated 2025-07-25.

Conditions:
Hereditary cancer-predisposing syndrome. Also called: Hereditary neoplastic syndrome; Tumor predisposition; Neoplastic Syndromes, Hereditary; Hereditary Cancer Syndrome. Identifiers: Orphanet 140162, MedGen C0027672, MeSH D009386, MONDO:0015356.
Multiple endocrine neoplasia type 4. Also called: MULTIPLE ENDOCRINE NEOPLASIA, TYPE IV. Identifiers: Orphanet 276152, MedGen C1970712, MONDO:0012552, OMIM 610755.

Allele frequency attached by ClinVar (database versions not stated): gnomAD exomes below 0.00001 and 0.00002; gnomAD 0.00001; TOPMed 0.00001; ExAC 0.00003.
gnomAD v4.1: 9 of 1,614,120 alleles (0.00056%); highest among the groups gnomAD compares: South Asian, 0.0011%; no homozygotes.

Submissions (2):

Ambry Genetics
Classification: Likely benign for Hereditary cancer-predisposing syndrome. Last evaluated: 2025-07-25. Review status: criteria provided, single submitter. Criteria: Ambry Variant Classification Scheme 2023. Collection method: clinical testing. Allele origin: germline.

Labcorp Genetics (formerly Invitae), Labcorp
Classification: Uncertain significance for Multiple endocrine neoplasia type 4. Last evaluated: 2024-11-11. Review status: criteria provided, single submitter. Criteria: Invitae Variant Classification Sherloc (09022015). Collection method: clinical testing. Allele origin: germline.
Comment: This sequence change replaces glutamine, which is neutral and polar, with arginine, which is basic and polar, at codon 77 of the CDKN1B protein (p.Gln77Arg). This variant is present in population databases (rs764436301, gnomAD 0.004%). This variant has not been reported in the literature in individuals affected with CDKN1B-related conditions. ClinVar contains an entry for this variant (Variation ID: 857788). An algorithm developed to predict the effect of missense changes on protein structure and function (PolyPhen-2) suggests that this variant is likely to be tolerated. In summary, the available evidence is currently insufficient to determine the role of this variant in disease. Therefore, it has been classified as a Variant of Uncertain Significance.